The following is an entry in ClinVar:

NM_173598.6(KSR2):c.1149C>T (p.His383=)

Gene: KSR2 (kinase suppressor of ras 2; minus strand). Cytogenetic location: 12q24.22.
Variant type: single nucleotide variant.
Coding change: c.1149C>T on transcript NM_173598.6 (MANE Select); coding-DNA position 1149, C replaced by T.
Protein change: p.His383=; no amino-acid change (histidine 383 retained).
Molecular consequence: synonymous variant.
Genome position (GRCh38, 1-based): chr12:117,667,496, G>A on the plus strand (C>T on the coding strand, the complement: KSR2 is on the minus strand). VCF-style: chr12-117667496-G-A. GRCh37 (hg19) VCF-style: chr12-118105301-G-A.
Identifiers: ClinVar variation 5001026 (VCV005001026.1).

ClinVar aggregate classification (germline): Likely benign (1 of 4 stars; one submission).

Conditions:
KSR2-related disorder. Also called: KSR2-related condition.

gnomAD v4.1: 3 of 1,611,700 alleles (0.00019%); highest among the groups gnomAD compares: Admixed American, 0.0033%; no homozygotes.

Submission:

PreventionGenetics, part of Exact Sciences
Classification: Likely benign for KSR2-related condition. Last evaluated: 2025-05-07. Review status: criteria provided, single submitter. Criteria: ACMG Guidelines, 2015. Collection method: clinical testing. Allele origin: germline.
Comment: This variant is classified as likely benign based on ACMG/AMP sequence variant interpretation guidelines (Richards et al. 2015 PMID: 25741868, with internal and published modifications).